The following is an entry in ClinVar:

ClinVar aggregate classification (germline): Uncertain significance. Review status: criteria provided, multiple submitters, no conflicts (2 of 4 stars). 2 submissions from 2 submitters: Uncertain significance (2). Last evaluated 2025-01-29.

Conditions:
Inborn genetic diseases. Identifiers: MedGen C0950123, MeSH D030342.

gnomAD v4.1: 44 of 1,598,852 alleles (0.0028%); highest among the groups gnomAD compares: Non-Finnish European, 0.0037%; no homozygotes.

Submissions (2):

Ambry Genetics
Classification: Uncertain significance for Inborn genetic diseases. Last evaluated: 2025-01-29. Review status: criteria provided, single submitter. Criteria: Ambry Variant Classification Scheme 2023. Collection method: clinical testing. Allele origin: germline.

Labcorp Genetics (formerly Invitae), Labcorp
Classification: Uncertain significance. Last evaluated: 2024-05-29. Review status: criteria provided, single submitter. Criteria: Invitae Variant Classification Sherloc (09022015). Collection method: clinical testing. Allele origin: germline.
Comment: This sequence change replaces isoleucine, which is neutral and non-polar, with valine, which is neutral and non-polar, at codon 1229 of the KIF14 protein (p.Ile1229Val). This variant is present in population databases (rs376483675, gnomAD 0.005%). This variant has not been reported in the literature in individuals affected with KIF14-related conditions. Algorithms developed to predict the effect of missense changes on protein structure and function output the following: SIFT: "Not Available"; PolyPhen-2: "Benign"; Align-GVGD: "Not Available". The valine amino acid residue is found in multiple mammalian species, which suggests that this missense change does not adversely affect protein function. In summary, the available evidence is currently insufficient to determine the role of this variant in disease. Therefore, it has been classified as a Variant of Uncertain Significance.

NM_014875.3(KIF14):c.3685A>G (p.Ile1229Val)

Gene: KIF14 (kinesin family member 14; minus strand). Cytogenetic location: 1q32.1.
Variant type: single nucleotide variant.
Coding change: c.3685A>G on transcript NM_014875.3 (MANE Select); coding-DNA position 3685, A replaced by G.
Protein change: p.Ile1229Val; replaces isoleucine 1229 with valine.
Molecular consequence: missense variant.
Genome position (GRCh38, 1-based): chr1:200,565,646, T>C on the plus strand (A>G on the coding strand, the complement: KIF14 is on the minus strand). VCF-style: chr1-200565646-T-C. GRCh37 (hg19) VCF-style: chr1-200534774-T-C.
Other names: c.2212A>G, p.Ile738Val (NM_001305792.1); c.3685A>G (NM_014875.2); short protein forms I1229V, I738V.
Identifiers: ClinVar variation 3709962 (VCV003709962.2).